The following is an entry in ClinVar:

NM_000535.7(PMS2):c.2385G>T (p.Gly795=)

Gene: PMS2 (PMS1 homolog 2, mismatch repair system component; minus strand). Cytogenetic location: 7p22.1.
Variant type: single nucleotide variant.
Coding change: c.2385G>T on transcript NM_000535.7 (MANE Select); coding-DNA position 2385, G replaced by T.
Protein change: p.Gly795=; no amino-acid change (glycine 795 retained).
Molecular consequence: synonymous variant. On other transcripts: non-coding transcript variant (1).
Genome position (GRCh38, 1-based): chr7:5,977,648, C>A on the plus strand (G>T on the coding strand, the complement: PMS2 is on the minus strand). VCF-style: chr7-5977648-C-A. GRCh37 (hg19) VCF-style: chr7-6017279-C-A.
Other names: c.1980G>T, p.Gly660= (NM_001322003.2, NM_001322004.2, NM_001322005.2); c.2229G>T, p.Gly743= (NM_001322006.2); c.2067G>T, p.Gly689= (NM_001322007.2, NM_001322008.2); c.2013G>T, p.Gly671= (NM_001322009.2); c.1824G>T, p.Gly608= (NM_001322010.2); c.1452G>T, p.Gly484= (NM_001322011.2, NM_001322012.2); c.1812G>T, p.Gly604= (NM_001322013.2); c.2418G>T, p.Gly806= (NM_001322014.2); and 1 more.
Identifiers: ClinVar variation 233733 (VCV000233733.18), dbSNP rs372868520, ClinGen allele CA10578645.
Genomic context (GRCh38, chr7:5,977,648, plus strand): 5'-CGACTTCCGGCAGGCTCTGGAGGCAAACATCTGCTTGACTCGGGAAGGCCGGCACATGAC[C>A]CCAGGGCTGTCGCTCAGCATGAAGATCAGTTCATCGACGTCCTGGGGTCCGAAGGTCCAG-3'
Protein context (NP_000526.2, residues 785-805): ELIFMLSDSP[Gly795=]VMCRPSRVKQ

ClinVar aggregate classification (germline): Benign/Likely benign. Review status: criteria provided, multiple submitters, no conflicts (2 of 4 stars). 4 submissions from 4 submitters: Benign (1); Likely benign (3). Last evaluated 2025-12-12.

Conditions:
Hereditary nonpolyposis colorectal neoplasms. Identifiers: MedGen C0009405, MeSH D003123.
Lynch syndrome 4 (LYNCH4). Also called: Colorectal cancer, hereditary nonpolyposis, type 4; Hereditary non-polyposis colorectal cancer, type 4. Identifiers: Orphanet 144, MedGen C1838333, MONDO:0013699, OMIM 614337. Disease mechanism: loss of function.
Hereditary cancer-predisposing syndrome. Also called: Neoplastic Syndromes, Hereditary; Tumor predisposition; Hereditary Cancer Syndrome; Hereditary neoplastic syndrome. Identifiers: Orphanet 140162, MedGen C0027672, MeSH D009386, MONDO:0015356.

Submissions (4):

Women's Health and Genetics/Laboratory Corporation of America, LabCorp
Classification: Likely benign. Last evaluated: 2025-12-12. Review status: criteria provided, single submitter. Criteria: LabCorp Variant Classification Summary - May 2015. Collection method: clinical testing. Allele origin: germline.

Labcorp Genetics (formerly Invitae), Labcorp
Classification: Likely benign for Hereditary nonpolyposis colorectal neoplasms. Last evaluated: 2025-09-23. Review status: criteria provided, single submitter. Criteria: Invitae Variant Classification Sherloc (09022015). Collection method: clinical testing. Allele origin: germline.

Myriad Genetics, Inc.
Classification: Benign for Lynch syndrome 4. Last evaluated: 2025-02-04. Review status: criteria provided, single submitter. Criteria: Myriad Autosomal Dominant, Autosomal Recessive and X-Linked Classification Criteria (2023). Collection method: clinical testing. Allele origin: unknown.
Comment: This variant is considered benign. This variant is a silent/synonymous amino acid change and it is not expected to impact splicing.

Ambry Genetics
Classification: Likely benign for Hereditary cancer-predisposing syndrome. Last evaluated: 2015-09-02. Review status: criteria provided, single submitter. Criteria: Ambry Variant Classification Scheme 2023. Collection method: clinical testing. Allele origin: germline.